The following is an entry in ClinVar:

NM_012308.3(KDM2A):c.3241T>A (p.Ser1081Thr)

Genes: KDM2A (lysine demethylase 2A; plus strand), LOC126861240 (CDK7 strongly-dependent group 2 enhancer GRCh37_chr11:67020970-67022169; plus strand). Cytogenetic location: 11q13.2.
Variant type: single nucleotide variant.
Coding change: c.3241T>A on transcript NM_012308.3 (MANE Select); coding-DNA position 3241, T replaced by A.
Protein change: p.Ser1081Thr; replaces serine 1081 with threonine.
Molecular consequence: missense variant. On other transcripts: non-coding transcript variant (1).
Genome position (GRCh38, 1-based): chr11:67,254,352, T>A. VCF-style: chr11-67254352-T-A. GRCh37 (hg19) VCF-style: chr11-67021823-T-A.
Other names: c.1924T>A, p.Ser642Thr (NM_001256405.2); short protein forms S642T, S1081T.
Identifiers: ClinVar variation 5008357 (VCV005008357.1).
Genomic context (GRCh38, chr11:67,254,352, plus strand): 5'-CGCCACATGCCCCTCCTGTCTCGACTCGACCTCAGTCACTGCAGCCACCTTACAGATCAG[T>A]CCTCCAATCTACTCACTGCTGTCGGGTCTTCCACTCGCTACTCTCTCACAGAGCTCAATA-3'
Protein context (NP_036440.1, residues 1071-1091): LSHCSHLTDQ[Ser1081Thr]SNLLTAVGSS

ClinVar aggregate classification (germline): Uncertain significance (1 of 4 stars; one submission).

Submission:

GeneDx
Classification: Uncertain significance. Last evaluated: 2026-03-04. Review status: criteria provided, single submitter. Criteria: GeneDx Variant Classification Process June 2021. Collection method: clinical testing. Allele origin: germline.
Comment: Not observed at significant frequency in large population cohorts (gnomAD); In silico analysis supports that this missense variant has a deleterious effect on protein structure/function; Has not been previously published as pathogenic or benign to our knowledge